The following is an entry in ClinVar:

ClinVar aggregate classification (germline): Conflicting classifications of pathogenicity. Review status: criteria provided, conflicting classifications (1 of 4 stars). 5 submissions from 5 submitters: Pathogenic (3); Likely pathogenic (1); Uncertain significance (1). Last evaluated 2025-03-06.

Conditions:
Mucopolysaccharidosis, MPS-III-B (MPS3B). Also called: SANFILIPPO SYNDROME B; MPS III B; MUCOPOLYSACCHARIDOSIS, TYPE IIIB; Mucopolysaccharidosis type IIIB (Sanfilippo B); MPS IIIB (Sanfilippo Syndrome Type B); N-ACETYL-ALPHA-D-GLUCOSAMINIDASE DEFICIENCY. Identifiers: Orphanet 79270, MedGen C0086648, MONDO:0009656, OMIM 252920.
Charcot-Marie-Tooth disease axonal type 2V. Also called: CHARCOT-MARIE-TOOTH NEUROPATHY, TYPE 2V; CHARCOT-MARIE-TOOTH DISEASE, AXONAL, AUTOSOMAL DOMINANT, TYPE 2V. Identifiers: Orphanet 447964, MedGen C5569050, MONDO:0014665, OMIM 616491.

Allele frequency attached by ClinVar (database versions not stated): TOPMed below 0.00001; gnomAD 0.00001; 1000 Genomes Project 30x 0.00047; gnomAD exomes 0.00001; ExAC 0.00004; 1000 Genomes Project 0.00040.
gnomAD v4.1: 1 of 1,602,750 alleles (0.000062%); highest among the groups gnomAD compares: South Asian, 0.0011%; no homozygotes.

Submissions (5):

Women's Health and Genetics/Laboratory Corporation of America, LabCorp
Classification: Pathogenic for Mucopolysaccharidosis, MPS-III-B. Last evaluated: 2025-03-06. Review status: criteria provided, single submitter. Criteria: LabCorp Variant Classification Summary - May 2015. Collection method: clinical testing. Allele origin: germline.
Comment: Variant summary: NAGLU c.1487T>C (p.Leu496Pro) results in a non-conservative amino acid change located in the Alpha-N-acetylglucosaminidase, C-terminal domain of the encoded protein sequence. Four of five in-silico tools predict a damaging effect of the variant on protein function. The variant allele was found at a frequency of 1.3e-05 in 230624 control chromosomes. c.1487T>C has been reported in the literature in multiple individuals affected with Mucopolysaccharidosis Type IIIB (Sanfilippo Syndrome B) (e.g., Montenegro_2022). These data indicate that the variant is very likely to be associated with disease. At least one publication reports experimental evidence evaluating an impact on protein function and showed that this variant resulted in decreased enzyme activity (Clark_2018).The following publications have been ascertained in the context of this evaluation (PMID: 29979746, 34806811). ClinVar contains an entry for this variant (Variation ID: 497482). Based on the evidence outlined above, the variant was classified as pathogenic.

Natera, Inc.
Classification: Likely pathogenic for Mucopolysaccharidosis type IIIB. Last evaluated: 2025-01-04. Review status: criteria provided, single submitter. Criteria: Natera Variant Classification Schema (03/2026). Collection method: clinical testing. Allele origin: germline.
Comment: The c.1487T>C variant in NAGLU is a missense variant predicted to cause substitution of leucine to proline at amino acid 496. This variant is rare in the general population with a frequency below the threshold expected for the associated phenotype(s). This variant has been observed in one or more individuals affected with the associated recessive disease, as either homozygous or compound heterozygous with a second variant (PMID: 34806811). Computational prediction algorithms indicate this variant is likely to affect gene or protein function. Given the available evidence, this variant is classified as Likely Pathogenic.

Labcorp Genetics (formerly Invitae), Labcorp
Classification: Pathogenic for Charcot-Marie-Tooth disease axonal type 2V; Mucopolysaccharidosis, MPS-III-B. Last evaluated: 2024-10-12. Review status: criteria provided, single submitter. Criteria: Invitae Variant Classification Sherloc (09022015). Collection method: clinical testing. Allele origin: germline.
Comment: This sequence change replaces leucine, which is neutral and non-polar, with proline, which is neutral and non-polar, at codon 496 of the NAGLU protein (p.Leu496Pro). This variant is present in population databases (rs569519789, gnomAD 0.007%). This missense change has been observed in individuals with mucopolysaccharidosis type III (PMID: 34806811). ClinVar contains an entry for this variant (Variation ID: 497482). Invitae Evidence Modeling of protein sequence and biophysical properties (such as structural, functional, and spatial information, amino acid conservation, physicochemical variation, residue mobility, and thermodynamic stability) indicates that this missense variant is expected to disrupt NAGLU protein function with a positive predictive value of 95%. Experimental studies have shown that this missense change affects NAGLU function (PMID: 29979746). For these reasons, this variant has been classified as Pathogenic.

Fulgent Genetics
Classification: Pathogenic for Mucopolysaccharidosis, MPS-III-B; Charcot-Marie-Tooth disease axonal type 2V. Last evaluated: 2024-04-08. Review status: criteria provided, single submitter. Criteria: ACMG Guidelines, 2015. Collection method: clinical testing. Allele origin: germline.

Eurofins Ntd Llc (ga)
Classification: Uncertain significance. Last evaluated: 2016-10-06. Review status: criteria provided, single submitter. Criteria: EGL Classification Definitions 2015. Collection method: clinical testing. Allele origin: germline. Observed: 1 variant allele, 1 homozygote.

Literature cited by the submitters: PubMed 29979746 (cited by Women's Health and Genetics/Laboratory Corporation of America, LabCorp and Labcorp Genetics (formerly Invitae), Labcorp); PubMed 34806811 (cited by 3 submitters).

NM_000263.4(NAGLU):c.1487T>C (p.Leu496Pro)

Gene: NAGLU (N-acetyl-alpha-glucosaminidase; plus strand). Cytogenetic location: 17q21.2.
Variant type: single nucleotide variant.
Coding change: c.1487T>C on transcript NM_000263.4 (MANE Select); coding-DNA position 1487, T replaced by C.
Protein change: p.Leu496Pro; replaces leucine 496 with proline.
Molecular consequence: missense variant.
Genome position (GRCh38, 1-based): chr17:42,543,493, T>C. VCF-style: chr17-42543493-T-C. GRCh37 (hg19) VCF-style: chr17-40695511-T-C.
Other names: short protein forms L496P.
Identifiers: ClinVar variation 497482 (VCV000497482.13), dbSNP rs569519789, ClinGen allele CA8577035.